The following is an entry in ClinVar:

NM_020937.4(FANCM):c.5275A>G (p.Thr1759Ala)

Gene: FANCM (FA complementation group M; plus strand). Cytogenetic location: 14q21.2.
Variant type: single nucleotide variant.
Coding change: c.5275A>G on transcript NM_020937.4 (MANE Select); coding-DNA position 5275, A replaced by G.
Protein change: p.Thr1759Ala; replaces threonine 1759 with alanine.
Molecular consequence: missense variant.
Genome position (GRCh38, 1-based): chr14:45,189,297, A>G. VCF-style: chr14-45189297-A-G. GRCh37 (hg19) VCF-style: chr14-45658500-A-G.
Other names: c.5197A>G, p.Thr1733Ala (NM_001308133.2); short protein forms T1733A, T1759A.
Identifiers: ClinVar variation 3675529 (VCV003675529.3).

ClinVar aggregate classification (germline): Uncertain significance. Review status: criteria provided, multiple submitters, no conflicts (2 of 4 stars). 2 submissions from 2 submitters: Uncertain significance (2). Last evaluated 2025-01-11.

Conditions:
Inborn genetic diseases. Identifiers: MedGen C0950123, MeSH D030342.
Fanconi anemia (FA). Also called: Fanconi's anemia. Identifiers: Orphanet 84, MedGen C0015625, MeSH D005199, MONDO:0019391.

gnomAD v4.1: 2 of 1,613,840 alleles (0.00012%); highest among the groups gnomAD compares: Non-Finnish European, 0.00017%; no homozygotes.

Submissions (2):

Ambry Genetics
Classification: Uncertain significance for Inborn genetic diseases. Last evaluated: 2025-01-11. Review status: criteria provided, single submitter. Criteria: Ambry Variant Classification Scheme 2023. Collection method: clinical testing. Allele origin: germline.
Comment: The p.T1759A variant (also known as c.5275A>G), located in coding exon 20 of the FANCM gene, results from an A to G substitution at nucleotide position 5275. The threonine at codon 1759 is replaced by alanine, an amino acid with similar properties. This amino acid position is conserved. In addition, this alteration is predicted to be tolerated by in silico analysis. Based on the available evidence, the clinical significance of this variant remains unclear.

Labcorp Genetics (formerly Invitae), Labcorp
Classification: Uncertain significance for Fanconi anemia. Last evaluated: 2024-07-08. Review status: criteria provided, single submitter. Criteria: Invitae Variant Classification Sherloc (09022015). Collection method: clinical testing. Allele origin: germline.
Comment: This sequence change replaces threonine, which is neutral and polar, with alanine, which is neutral and non-polar, at codon 1759 of the FANCM protein (p.Thr1759Ala). This variant is not present in population databases (gnomAD no frequency). This variant has not been reported in the literature in individuals affected with FANCM-related conditions. Algorithms developed to predict the effect of missense changes on protein structure and function output the following: SIFT: "Not Available"; PolyPhen-2: "Benign"; Align-GVGD: "Not Available". The alanine amino acid residue is found in multiple mammalian species, which suggests that this missense change does not adversely affect protein function. In summary, the available evidence is currently insufficient to determine the role of this variant in disease. Therefore, it has been classified as a Variant of Uncertain Significance.